The following is an entry in ClinVar:

NM_000361.3(THBD):c.1481A>C (p.Glu494Ala)

Gene: THBD (thrombomodulin; minus strand). Cytogenetic location: 20p11.21.
Variant type: single nucleotide variant.
Coding change: c.1481A>C on transcript NM_000361.3 (MANE Select); coding-DNA position 1481, A replaced by C.
Protein change: p.Glu494Ala; replaces glutamic acid 494 with alanine.
Molecular consequence: missense variant.
Genome position (GRCh38, 1-based): chr20:23,048,024, T>G on the plus strand (A>C on the coding strand, the complement: THBD is on the minus strand). VCF-style: chr20-23048024-T-G. GRCh37 (hg19) VCF-style: chr20-23028661-T-G.
Other names: short protein forms E494A.
Identifiers: ClinVar variation 4280561 (VCV004280561.1).

ClinVar aggregate classification (germline): Uncertain significance (1 of 4 stars; one submission).

Conditions:
Thrombomodulin-related bleeding disorder (THPH12). Also called: Thrombophilia due to thrombomodulin defect. Identifiers: Orphanet 436169, MedGen C3280976, MONDO:0013775, OMIM 614486.

Submission:

Genomenon, Inc
Classification: Uncertain significance for Thrombomodulin-related bleeding disorder. Last evaluated: 2025-09-22. Review status: criteria provided, single submitter. Criteria: Genomenon Sequence Variant Interpretation Standards - Updated. Collection method: curation. Allele origin: germline. Affected: no.
Comment: THBD p.Glu494Ala (c.1481A>C) is a missense variant that changes the amino acid at residue 494 from Glutamic acid to Alanine. Functional studies have been reported; however, the significance of the findings remain unclear (PMID:25772620). It is absent or not present at a significant frequency in gnomAD. In silico models agree that this variant is not damaging. In conclusion, we classify THBD p.Glu494Ala (c.1481A>C) as a variant of unknown significance.

Literature cited by the submitters: PubMed 25772620.